The following is an entry in ClinVar:

ClinVar aggregate classification (germline): Likely benign. Review status: criteria provided, multiple submitters, no conflicts (2 of 4 stars). 2 submissions from 2 submitters: Likely benign (2). Last evaluated 2024-09-24.

Conditions:
Long QT syndrome (LQTS). Identifiers: MedGen C0023976, MeSH D008133, MONDO:0002442. Disease mechanism: loss of function. Inheritance: Various modes of inheritance.

Allele frequency attached by ClinVar (database versions not stated): gnomAD exomes 0.00002; gnomAD 0.00003 and 0.00004; TOPMed 0.00003; 1000 Genomes Project 0.00020.
gnomAD v4.1: 28 of 1,502,368 alleles (0.0019%); highest among the groups gnomAD compares: Admixed American, 0.022%; no homozygotes.

Submissions (2):

Labcorp Genetics (formerly Invitae), Labcorp
Classification: Likely benign for Long QT syndrome. Last evaluated: 2024-09-24. Review status: criteria provided, single submitter. Criteria: Invitae Variant Classification Sherloc (09022015). Collection method: clinical testing. Allele origin: germline.

GeneDx
Classification: Likely benign. Last evaluated: 2017-01-17. Review status: criteria provided, single submitter. Criteria: GeneDx Variant Classification (06012015). Collection method: clinical testing. Allele origin: germline. Affected: yes.
Comment: This variant is considered likely benign or benign based on one or more of the following criteria: it is a conservative change, it occurs at a poorly conserved position in the protein, it is predicted to be benign by multiple in silico algorithms, and/or has population frequency not consistent with disease.

NM_003098.3(SNTA1):c.310+19G>A

Gene: SNTA1 (syntrophin alpha 1; minus strand). Cytogenetic location: 20q11.21.
Variant type: single nucleotide variant.
Coding change: c.310+19G>A on transcript NM_003098.3 (MANE Select); 19 bases into the intron after coding-DNA position 310, G replaced by A.
Molecular consequence: intron variant.
Genome position (GRCh38, 1-based): chr20:33,443,292, C>T on the plus strand (G>A on the coding strand, the complement: SNTA1 is on the minus strand). VCF-style: chr20-33443292-C-T. GRCh37 (hg19) VCF-style: chr20-32031098-C-T.
Identifiers: ClinVar variation 392798 (VCV000392798.8), dbSNP rs554224001, ClinGen allele CA16607977.